The following is an entry in ClinVar:

NM_004387.4(NKX2-5):c.777C>G (p.Tyr259Ter)

Gene: NKX2-5 (NK2 homeobox 5; minus strand). Cytogenetic location: 5q35.1.
Variant type: single nucleotide variant.
Coding change: c.777C>G on transcript NM_004387.4 (MANE Select); coding-DNA position 777, C replaced by G.
Protein change: p.Tyr259Ter; replaces tyrosine 259 with a stop codon.
Molecular consequence: nonsense. On other transcripts: 3 prime UTR variant (2).
Genome position (GRCh38, 1-based): chr5:173,232,767, G>C on the plus strand (C>G on the coding strand, the complement: NKX2-5 is on the minus strand). VCF-style: chr5-173232767-G-C. GRCh37 (hg19) VCF-style: chr5-172659770-G-C.
Other names: c.*730C>G (NM_001166175.2); c.*576C>G (NM_001166176.2); short protein forms Y259*.
Identifiers: ClinVar variation 379617 (VCV000379617.3), dbSNP rs1057520670, ClinGen allele CA16605324.
Genomic context (GRCh38, chr5:173,232,767, plus strand): 5'-GGAAGGCCCGGCGGGGTAAGCGGCAGTGCAGCTGTAGCCAGGGCTGCAGGCCGCGCCGCC[G>C]TAACCCGGATAGGCGGGGTAGGCGTTATAACCGTAGGGATTGAGGCCCACGCCGTAGGCA-3'

ClinVar aggregate classification (germline): Likely pathogenic (1 of 4 stars; one submission).

Submission:

GeneDx
Classification: Likely pathogenic. Last evaluated: 2023-12-26. Review status: criteria provided, single submitter. Criteria: GeneDx Variant Classification Process June 2021. Collection method: clinical testing. Allele origin: germline. Affected: yes.
Comment: Nonsense variant predicted to result in protein truncation, as the last 66 amino acids are lost, and other loss-of-function variants have been reported downstream in HGMD; Not observed at significant frequency in large population cohorts (gnomAD); Has not been previously published as pathogenic or benign to our knowledge; This variant is associated with the following publications: (PMID: 10587520, 32369864)